The following is an entry in ClinVar:

NM_012123.4(MTO1):c.1180T>C (p.Leu394=)

Gene: MTO1 (mitochondrial tRNA translation optimization 1; plus strand). Cytogenetic location: 6q13.
Variant type: single nucleotide variant.
Coding change: c.1180T>C on transcript NM_012123.4 (MANE Select); coding-DNA position 1180, T replaced by C.
Protein change: p.Leu394=; no amino-acid change (leucine 394 retained).
Molecular consequence: synonymous variant.
Genome position (GRCh38, 1-based): chr6:73,480,725, T>C. VCF-style: chr6-73480725-T-C. GRCh37 (hg19) VCF-style: chr6-74190448-T-C.
Other names: p.L394L:TTG>CTG; c.1180T>C, p.Leu394= (NM_001123226.2); c.1255T>C, p.Leu419= (NM_133645.3).
Identifiers: ClinVar variation 138274 (VCV000138274.13), dbSNP rs2036039, ClinGen allele CA292188.

ClinVar aggregate classification (germline): Benign. Review status: criteria provided, multiple submitters, no conflicts (2 of 4 stars). 3 submissions from 3 submitters: Benign (2). 1 of the submissions does not count toward it. Last evaluated 2026-02-04.

Conditions:
Mitochondrial hypertrophic cardiomyopathy with lactic acidosis due to MTO1 deficiency. Also called: Combined oxidative phosphorylation deficiency 10; CARDIOMYOPATHY, INFANTILE HYPERTROPHIC MITOCHONDRIAL, AND LACTIC ACIDOSIS. Identifiers: Orphanet 314637, MedGen C4749921, MONDO:0013865, OMIM 614702.

Allele frequency attached by ClinVar (database versions not stated): gnomAD exomes 0.18453; ExAC 0.18713; gnomAD 0.20250 and 0.20359; TOPMed 0.20488; ESP Exome Variant Server 0.20621; 1000 Genomes Project 30x 0.20784; 1000 Genomes Project 0.20807.
gnomAD v4.1: 294,833 of 1,613,606 alleles (18%); highest among the groups gnomAD compares: African/African-American, 26%; 27,549 homozygotes.

Submissions (3):

Labcorp Genetics (formerly Invitae), Labcorp
Classification: Benign for Mitochondrial hypertrophic cardiomyopathy with lactic acidosis due to MTO1 deficiency. Last evaluated: 2026-02-04. Review status: criteria provided, single submitter. Criteria: Invitae Variant Classification Sherloc (09022015). Collection method: clinical testing. Allele origin: germline.

GeneDx
Classification: Benign. Last evaluated: 2013-10-24. Review status: criteria provided, single submitter. Criteria: GeneDx Variant Classification (06012015). Collection method: clinical testing. Allele origin: germline. Affected: yes.
Comment: This variant is considered likely benign or benign based on one or more of the following criteria: it is a conservative change, it occurs at a poorly conserved position in the protein, it is predicted to be benign by multiple in silico algorithms, and/or has population frequency not consistent with disease.

Mayo Clinic Laboratories, Mayo Clinic
Classification: Benign. Last evaluated: 2016-02-20. Review status: no assertion criteria provided. Collection method: clinical testing. Allele origin: unknown. Not counted in ClinVar's aggregate classification.